The following is an entry in ClinVar:

ClinVar aggregate classification (germline): Conflicting classifications of pathogenicity. Review status: criteria provided, conflicting classifications (1 of 4 stars). 2 submissions from 2 submitters: Uncertain significance (1); Likely benign (1). Last evaluated 2024-10-29.

Conditions:
Inborn genetic diseases. Identifiers: MedGen C0950123, MeSH D030342.
Developmental and epileptic encephalopathy 94 (DEE94). Also called: Epileptic encephalopathy, childhood-onset; CHD2-Related Neurodevelopmental Disorders. Identifiers: Orphanet 1942, Orphanet 2382, MedGen C3809278, MONDO:0014150, OMIM 615369.

Allele frequency attached by ClinVar (database versions not stated): ExAC 0.00001; TOPMed 0.00001.
gnomAD v4.1: 9 of 1,594,442 alleles (0.00056%); highest among the groups gnomAD compares: South Asian, 0.0067%; no homozygotes.

Submissions (2):

Labcorp Genetics (formerly Invitae), Labcorp
Classification: Uncertain significance for Developmental and epileptic encephalopathy 94. Last evaluated: 2024-10-29. Review status: criteria provided, single submitter. Criteria: Invitae Variant Classification Sherloc (09022015). Collection method: clinical testing. Allele origin: germline.
Comment: This sequence change replaces isoleucine, which is neutral and non-polar, with valine, which is neutral and non-polar, at codon 379 of the CHD2 protein (p.Ile379Val). This variant is present in population databases (rs750853380, gnomAD 0.01%). This variant has not been reported in the literature in individuals affected with CHD2-related conditions. ClinVar contains an entry for this variant (Variation ID: 1729498). Invitae Evidence Modeling of protein sequence and biophysical properties (such as structural, functional, and spatial information, amino acid conservation, physicochemical variation, residue mobility, and thermodynamic stability) indicates that this missense variant is not expected to disrupt CHD2 protein function with a negative predictive value of 95%. In summary, the available evidence is currently insufficient to determine the role of this variant in disease. Therefore, it has been classified as a Variant of Uncertain Significance.

Ambry Genetics
Classification: Likely benign for Inborn genetic diseases. Last evaluated: 2019-04-23. Review status: criteria provided, single submitter. Criteria: Ambry Variant Classification Scheme 2023. Collection method: clinical testing. Allele origin: germline.

NM_001271.4(CHD2):c.1135A>G (p.Ile379Val)

Gene: CHD2 (chromodomain helicase DNA binding protein 2; plus strand). Cytogenetic location: 15q26.1.
Variant type: single nucleotide variant.
Coding change: c.1135A>G on transcript NM_001271.4 (MANE Select); coding-DNA position 1135, A replaced by G.
Protein change: p.Ile379Val; replaces isoleucine 379 with valine.
Molecular consequence: missense variant.
Genome position (GRCh38, 1-based): chr15:92,944,497, A>G. VCF-style: chr15-92944497-A-G. GRCh37 (hg19) VCF-style: chr15-93487727-A-G.
Other names: c.1135A>G, p.Ile379Val (NM_001042572.3); short protein forms I379V.
Identifiers: ClinVar variation 1729498 (VCV001729498.5), dbSNP rs750853380, ClinGen allele CA7747710.